The following is an entry in ClinVar:

ClinVar aggregate classification (germline): Uncertain significance. Review status: criteria provided, multiple submitters, no conflicts (2 of 4 stars). 2 submissions from 2 submitters: Uncertain significance (2). Last evaluated 2024-03-11.

Conditions:
Familial adenomatous polyposis 1 (FAP1). Also called: FAMILIAL ADENOMATOUS POLYPOSIS 1, ATTENUATED; POLYPOSIS, ADENOMATOUS INTESTINAL. Identifiers: MedGen C2713442, MONDO:0021056, OMIM 175100. Disease mechanism: loss of function.
Hereditary cancer-predisposing syndrome. Also called: Neoplastic Syndromes, Hereditary; Tumor predisposition; Hereditary Cancer Syndrome; Hereditary neoplastic syndrome. Identifiers: Orphanet 140162, MedGen C0027672, MeSH D009386, MONDO:0015356.

Allele frequency attached by ClinVar (database versions not stated): gnomAD exomes below 0.00001; gnomAD 0.00001; TOPMed 0.00001.
gnomAD v4.1: 3 of 1,613,880 alleles (0.00019%); highest among the groups gnomAD compares: Non-Finnish European, 0.00025%; no homozygotes.

Submissions (2):

Ambry Genetics
Classification: Uncertain significance for Hereditary cancer-predisposing syndrome. Last evaluated: 2024-03-11. Review status: criteria provided, single submitter. Criteria: Ambry Variant Classification Scheme 2023. Collection method: clinical testing. Allele origin: germline.
Comment: The p.N2510S variant (also known as c.7529A>G), located in coding exon 15 of the APC gene, results from an A to G substitution at nucleotide position 7529. The asparagine at codon 2510 is replaced by serine, an amino acid with highly similar properties. This amino acid position is well conserved in available vertebrate species. In addition, in silico predictors for this gene do not accurately predict pathogenicity. Since supporting evidence is limited at this time, the clinical significance of this alteration remains unclear.

Labcorp Genetics (formerly Invitae), Labcorp
Classification: Uncertain significance for Familial adenomatous polyposis 1. Last evaluated: 2022-12-19. Review status: criteria provided, single submitter. Criteria: Invitae Variant Classification Sherloc (09022015). Collection method: clinical testing. Allele origin: germline.
Comment: In summary, the available evidence is currently insufficient to determine the role of this variant in disease. Therefore, it has been classified as a Variant of Uncertain Significance. Advanced modeling of protein sequence and biophysical properties (such as structural, functional, and spatial information, amino acid conservation, physicochemical variation, residue mobility, and thermodynamic stability) performed at Invitae indicates that this missense variant is not expected to disrupt APC protein function. ClinVar contains an entry for this variant (Variation ID: 231400). This variant has not been reported in the literature in individuals affected with APC-related conditions. This variant is present in population databases (no rsID available, gnomAD 0.007%). This sequence change replaces asparagine, which is neutral and polar, with serine, which is neutral and polar, at codon 2510 of the APC protein (p.Asn2510Ser).

NM_000038.6(APC):c.7529A>G (p.Asn2510Ser)

Gene: APC (APC regulator of Wnt signaling pathway; plus strand). Cytogenetic location: 5q22.2.
Variant type: single nucleotide variant.
Coding change: c.7529A>G on transcript NM_000038.6 (MANE Select); coding-DNA position 7529, A replaced by G.
Protein change: p.Asn2510Ser; replaces asparagine 2510 with serine.
Molecular consequence: missense variant.
Genome position (GRCh38, 1-based): chr5:112,843,123, A>G. VCF-style: chr5-112843123-A-G. GRCh37 (hg19) VCF-style: chr5-112178820-A-G.
Other names: c.7529A>G, p.Asn2510Ser (NM_001127510.3, NM_001354895.2); c.7475A>G, p.Asn2492Ser (NM_001127511.3); c.7583A>G, p.Asn2528Ser (NM_001354896.2); c.7559A>G, p.Asn2520Ser (NM_001354897.2); c.7454A>G, p.Asn2485Ser (NM_001354898.2); c.7445A>G, p.Asn2482Ser (NM_001354899.2); c.7406A>G, p.Asn2469Ser (NM_001354900.2); c.7352A>G, p.Asn2451Ser (NM_001354901.2); and 5 more; short protein forms N2492S, N2510S, N2350S, N2409S, N2419S, N2482S, N2485S, N2451S.
Identifiers: ClinVar variation 231400 (VCV000231400.13), dbSNP rs876659135, ClinGen allele CA10578446.